The following is an entry in ClinVar:

NM_001099922.3(ALG13):c.2507C>T (p.Thr836Ile)

Gene: ALG13 (ALG13 UDP-N-acetylglucosaminyltransferase subunit; plus strand). Cytogenetic location: Xq23.
Variant type: single nucleotide variant.
Coding change: c.2507C>T on transcript NM_001099922.3 (MANE Select); coding-DNA position 2507, C replaced by T.
Protein change: p.Thr836Ile; replaces threonine 836 with isoleucine.
Molecular consequence: missense variant. On other transcripts: non-coding transcript variant (1).
Genome position (GRCh38, 1-based): chrX:111,735,100, C>T. VCF-style: chrX-111735100-C-T. GRCh37 (hg19) VCF-style: chrX-110978328-C-T.
Other names: c.2195C>T, p.Thr732Ile (NM_001257230.2, NM_001257234.2, NM_001257237.2); c.2273C>T, p.Thr758Ile (NM_001257231.2); c.2507C>T, p.Thr836Ile (NM_001324292.2); c.2021C>T, p.Thr674Ile (NM_001324293.1); short protein forms T674I, T758I, T836I, T732I.
Identifiers: ClinVar variation 4755030 (VCV004755030.1).

ClinVar aggregate classification (germline): Uncertain significance (1 of 4 stars; one submission).

Conditions:
Developmental and epileptic encephalopathy, 36 (DEE36). Also called: Congenital disorder of glycosylation, type Is; Epileptic encephalopathy, early infantile, 36; ALG13-CDG. Identifiers: Orphanet 324422, MedGen C4317295, MONDO:0010472, OMIM 300884.

gnomAD v4.1: 30 of 1,183,766 alleles (0.0025%); highest among the groups gnomAD compares: Non-Finnish European, 0.0033%; no homozygotes.

Submission:

Labcorp Genetics (formerly Invitae), Labcorp
Classification: Uncertain significance for Developmental and epileptic encephalopathy, 36. Last evaluated: 2025-05-07. Review status: criteria provided, single submitter. Criteria: Invitae Variant Classification Sherloc (09022015). Collection method: clinical testing. Allele origin: germline.
Comment: This sequence change replaces threonine, which is neutral and polar, with isoleucine, which is neutral and non-polar, at codon 836 of the ALG13 protein (p.Thr836Ile). This variant is not present in population databases (gnomAD no frequency). This variant has not been reported in the literature in individuals affected with ALG13-related conditions. Invitae Evidence Modeling of protein sequence and biophysical properties (such as structural, functional, and spatial information, amino acid conservation, physicochemical variation, residue mobility, and thermodynamic stability) has been performed for this missense variant. However, the output from this modeling did not meet the statistical confidence thresholds required to predict the impact of this variant on ALG13 protein function. In summary, the available evidence is currently insufficient to determine the role of this variant in disease. Therefore, it has been classified as a Variant of Uncertain Significance.